The following is an entry in ClinVar:

NM_183381.3(RNF13):c.283G>T (p.Val95Leu)

Gene: RNF13 (ring finger protein 13; plus strand). Cytogenetic location: 3q25.1.
Variant type: single nucleotide variant.
Coding change: c.283G>T on transcript NM_183381.3 (MANE Select); coding-DNA position 283, G replaced by T.
Protein change: p.Val95Leu; replaces valine 95 with leucine.
Molecular consequence: missense variant. On other transcripts: 5 prime UTR variant (6), non-coding transcript variant (1).
Genome position (GRCh38, 1-based): chr3:149,872,116, G>T. VCF-style: chr3-149872116-G-T. GRCh37 (hg19) VCF-style: chr3-149589903-G-T.
Other names: c.283G>T, p.Val95Leu (NM_001378285.1, NM_001378286.1, NM_007282.4); c.-85G>T (NM_001378287.1, NM_001378288.1, NM_001378289.1 and 2 more transcripts); c.-111G>T (NM_001378291.1); short protein forms V95L.
Identifiers: ClinVar variation 2071835 (VCV002071835.4), dbSNP rs146907927, ClinGen allele CA2662945.
Genomic context (GRCh38, chr3:149,872,116, plus strand): 5'-AATGCCTGTGAACCCATAGTGCCTCCACCAGTAAAAGACAATTCATCTGGCACTTTCATC[G>T]TGTTAATTAGAAGACTTGATTGTAATTTTGATATAAAGGTATGATTATCTTTTTTCATTT-3'
Protein context (NP_899237.1, residues 85-105): VKDNSSGTFI[Val95Leu]LIRRLDCNFD

ClinVar aggregate classification (germline): Uncertain significance (1 of 4 stars; one submission).

gnomAD v4.1: 8 of 1,596,118 alleles (0.0005%); highest among the groups gnomAD compares: African/African-American, 0.004%; no homozygotes.

Submission:

Labcorp Genetics (formerly Invitae), Labcorp
Classification: Uncertain significance. Last evaluated: 2024-04-08. Review status: criteria provided, single submitter. Criteria: Invitae Variant Classification Sherloc (09022015). Collection method: clinical testing. Allele origin: germline.
Comment: This sequence change replaces valine, which is neutral and non-polar, with leucine, which is neutral and non-polar, at codon 95 of the RNF13 protein (p.Val95Leu). This variant is present in population databases (rs146907927, gnomAD 0.007%). This variant has not been reported in the literature in individuals affected with RNF13-related conditions. ClinVar contains an entry for this variant (Variation ID: 2071835). Advanced modeling of protein sequence and biophysical properties (such as structural, functional, and spatial information, amino acid conservation, physicochemical variation, residue mobility, and thermodynamic stability) performed at Invitae indicates that this missense variant is not expected to disrupt RNF13 protein function with a negative predictive value of 80%. In summary, the available evidence is currently insufficient to determine the role of this variant in disease. Therefore, it has been classified as a Variant of Uncertain Significance.